The following is an entry in ClinVar:

ClinVar aggregate classification (germline): Uncertain significance. Review status: criteria provided, multiple submitters, no conflicts (2 of 4 stars). 2 submissions from 2 submitters: Uncertain significance (2). Last evaluated 2025-01-03.

Conditions:
Inborn genetic diseases. Identifiers: MedGen C0950123, MeSH D030342.

gnomAD v4.1: 4 of 1,613,970 alleles (0.00025%); highest among the groups gnomAD compares: Non-Finnish European, 0.00034%; no homozygotes.

Submissions (2):

Ambry Genetics
Classification: Uncertain significance for Inborn genetic diseases. Last evaluated: 2025-01-03. Review status: criteria provided, single submitter. Criteria: Ambry Variant Classification Scheme 2023. Collection method: clinical testing. Allele origin: germline.

GeneDx
Classification: Uncertain significance. Last evaluated: 2024-09-10. Review status: criteria provided, single submitter. Criteria: GeneDx Variant Classification Process June 2021. Collection method: clinical testing. Allele origin: germline. Affected: yes.
Comment: Not observed at significant frequency in large population cohorts (gnomAD); In silico analysis indicates that this missense variant does not alter protein structure/function; Has not been previously published as pathogenic or benign to our knowledge

NM_001128159.3(VPS53):c.1234G>A (p.Ala412Thr)

Gene: VPS53 (VPS53 subunit of GARP complex; minus strand). Cytogenetic location: 17p13.3.
Variant type: single nucleotide variant.
Coding change: c.1234G>A on transcript NM_001128159.3 (MANE Select); coding-DNA position 1234, G replaced by A.
Protein change: p.Ala412Thr; replaces alanine 412 with threonine.
Molecular consequence: missense variant.
Genome position (GRCh38, 1-based): chr17:586,349, C>T on the plus strand (G>A on the coding strand, the complement: VPS53 is on the minus strand). VCF-style: chr17-586349-C-T. GRCh37 (hg19) VCF-style: chr17-489589-C-T.
Other names: c.1234G>A, p.Ala412Thr (NM_001366253.2); c.640G>A, p.Ala214Thr (NM_001366254.2); c.1147G>A, p.Ala383Thr (NM_018289.4); short protein forms A214T, A383T, A412T.
Identifiers: ClinVar variation 3767828 (VCV003767828.2).